The following is an entry in ClinVar:

NM_017951.5(SMPD4):c.1264C>T (p.Gln422Ter)

Gene: SMPD4 (sphingomyelin phosphodiesterase 4; minus strand). Cytogenetic location: 2q21.1.
Variant type: single nucleotide variant.
Coding change: c.1264C>T on transcript NM_017951.5 (MANE Select); coding-DNA position 1264, C replaced by T.
Protein change: p.Gln422Ter; replaces glutamine 422 with a stop codon.
Molecular consequence: nonsense. On other transcripts: non-coding transcript variant (2).
Genome position (GRCh38, 1-based): chr2:130,156,060, G>A on the plus strand (C>T on the coding strand, the complement: SMPD4 is on the minus strand). VCF-style: chr2-130156060-G-A. GRCh37 (hg19) VCF-style: chr2-130913633-G-A.
Other names: c.1075C>T, p.Gln359Ter (NM_001171083.2); c.1294C>T, p.Gln432Ter (NM_017751.4); short protein forms Q359*, Q422*, Q432*.
Identifiers: ClinVar variation 4884599 (VCV004884599.1).
Genomic context (GRCh38, chr2:130,156,060, plus strand): 5'-CCAGTGGCATGTCTGTGAGAGGAGCTGAGGCTCACCATTTCTCCGACACACACCGGGGCT[G>A]GGAGTCGCTGCCCGGAGCCTGCTTGTCAGGCGCGTACCGCCACGGCTGCAGGTAGCTCAG-3'

ClinVar aggregate classification (germline): Pathogenic (1 of 4 stars; one submission).

Conditions:
Neurodevelopmental disorder with microcephaly, arthrogryposis, and structural brain anomalies. Identifiers: Orphanet 664923, MedGen C5231431, MONDO:0032838, OMIM 618622.

Submission:

Department of Genetic Medicine, Beijing Chigene Translational Medicine Research Center
Classification: Pathogenic for Neurodevelopmental disorder with microcephaly, arthrogryposis, and structural brain anomalies. Last evaluated: 2026-08-10. Review status: criteria provided, single submitter. Criteria: ACMG Guidelines, 2015. Collection method: clinical testing. Allele origin: paternal. Inheritance: Autosomal recessive inheritance. Affected: yes. Observed: 1 variant allele, 1 compound heterozygote.
Comment: This variant is not observed at significant frequency in large population cohorts (gnomAD)(PM2_Supporting). Based on the evidence outlined above, the variant was classified as Pathogenic.